The following is an entry in ClinVar:

ClinVar aggregate classification (germline): Uncertain significance (1 of 4 stars; one submission).

Submission:

GeneDx
Classification: Uncertain significance. Last evaluated: 2026-03-20. Review status: criteria provided, single submitter. Criteria: GeneDx Variant Classification Process June 2021. Collection method: clinical testing. Allele origin: germline.
Comment: Not observed at significant frequency in large population cohorts (gnomAD); In silico analysis supports that this missense variant has a deleterious effect on protein structure/function; Has not been previously published as pathogenic or benign to our knowledge

NM_006922.4(SCN3A):c.751A>T (p.Met251Leu)

Gene: SCN3A (sodium voltage-gated channel alpha subunit 3; minus strand). Cytogenetic location: 2q24.3.
Variant type: single nucleotide variant.
Coding change: c.751A>T on transcript NM_006922.4 (MANE Select); coding-DNA position 751, A replaced by T.
Protein change: p.Met251Leu; replaces methionine 251 with leucine.
Molecular consequence: missense variant.
Genome position (GRCh38, 1-based): chr2:165,162,772, T>A on the plus strand (A>T on the coding strand, the complement: SCN3A is on the minus strand). VCF-style: chr2-165162772-T-A. GRCh37 (hg19) VCF-style: chr2-166019282-T-A.
Other names: c.751A>T, p.Met251Leu (NM_001081676.2, NM_001081677.2); short protein forms M251L.
Identifiers: ClinVar variation 5008497 (VCV005008497.1).